The following is an entry in ClinVar:

NM_080473.5(GATA5):c.427C>G (p.Pro143Ala)

Gene: GATA5 (GATA binding protein 5; minus strand). Cytogenetic location: 20q13.33.
Variant type: single nucleotide variant.
Coding change: c.427C>G on transcript NM_080473.5 (MANE Select); coding-DNA position 427, C replaced by G.
Protein change: p.Pro143Ala; replaces proline 143 with alanine.
Molecular consequence: missense variant.
Genome position (GRCh38, 1-based): chr20:62,475,095, G>C on the plus strand (C>G on the coding strand, the complement: GATA5 is on the minus strand). VCF-style: chr20-62475095-G-C. GRCh37 (hg19) VCF-style: chr20-61050151-G-C.
Other names: short protein forms P143A.
Identifiers: ClinVar variation 1707779 (VCV001707779.2), dbSNP rs1432686324, ClinGen allele CA409556393.

ClinVar aggregate classification (germline): Uncertain significance (1 of 4 stars; one submission).

Allele frequency attached by ClinVar (database versions not stated): TOPMed 0.00001.

Submission:

GeneDx
Classification: Uncertain significance. Last evaluated: 2022-03-31. Review status: criteria provided, single submitter. Criteria: GeneDx Variant Classification Process June 2021. Collection method: clinical testing. Allele origin: germline. Affected: yes.
Comment: Has not been previously published as pathogenic or benign to our knowledge; Not observed at significant frequency in large population cohorts (gnomAD); In silico analysis supports that this missense variant does not alter protein structure/function